The following is an entry in ClinVar:

NM_001371986.1(UNC80):c.391C>T (p.Arg131Trp)

Gene: UNC80 (unc-80 subunit of NALCN channel complex; plus strand). Cytogenetic location: 2q34.
Variant type: single nucleotide variant.
Coding change: c.391C>T on transcript NM_001371986.1 (MANE Select); coding-DNA position 391, C replaced by T.
Protein change: p.Arg131Trp; replaces arginine 131 with tryptophan.
Molecular consequence: missense variant.
Genome position (GRCh38, 1-based): chr2:209,777,350, C>T. VCF-style: chr2-209777350-C-T. GRCh37 (hg19) VCF-style: chr2-210642074-C-T.
Other names: c.391C>T, p.Arg131Trp (NM_032504.2, NM_182587.4); short protein forms R131W.
Identifiers: ClinVar variation 784460 (VCV000784460.15), dbSNP rs35822936, ClinGen allele CA2082734.
Genomic context (GRCh38, chr2:209,777,350, plus strand): 5'-AAGCTCCTTCACACTCTACACTGGATGCTTCTGGAGGCCCCCCAGGACTGCAACAATGAG[C>T]GGTTTGGGGGTACAGACCGAGGCTCCAGCTGGGGTGGAAGCAGCAGTGCTTTCATCCACC-3'
Protein context (NP_001358915.1, residues 121-141): LEAPQDCNNE[Arg131Trp]FGGTDRGSSW

ClinVar aggregate classification (germline): Benign. Review status: criteria provided, multiple submitters, no conflicts (2 of 4 stars). 4 submissions from 4 submitters: Benign (3). 1 of the submissions does not count toward it. Last evaluated 2026-02-03.

Conditions:
UNC80-related disorder. Also called: UNC80-related condition.
Hypotonia, infantile, with psychomotor retardation and characteristic facies 2 (IHPRF2). Also called: UNC80 Deficiency. Identifiers: Orphanet 371364, Orphanet 700333, MedGen C4225203, MONDO:0014777, OMIM 616801.

Allele frequency attached by ClinVar (database versions not stated): gnomAD exomes 0.00164; ExAC 0.00200; gnomAD 0.00653 and 0.00692; TOPMed 0.00671; ESP Exome Variant Server 0.00677; 1000 Genomes Project 0.00859; 1000 Genomes Project 30x 0.00906.
gnomAD v4.1: 1,835 of 1,614,168 alleles (0.11%); highest among the groups gnomAD compares: African/African-American, 2.2%; 18 homozygotes.

Submissions (4):

Labcorp Genetics (formerly Invitae), Labcorp
Classification: Benign. Last evaluated: 2026-02-03. Review status: criteria provided, single submitter. Criteria: Invitae Variant Classification Sherloc (09022015). Collection method: clinical testing. Allele origin: germline.

ARUP Laboratories, Molecular Genetics and Genomics, ARUP Laboratories
Classification: Benign for Hypotonia, infantile, with psychomotor retardation and characteristic facies 2. Last evaluated: 2024-07-16. Review status: criteria provided, single submitter. Criteria: ARUP Molecular Germline Variant Investigation Process 2024. Collection method: clinical testing. Allele origin: germline.

Breakthrough Genomics
Classification: Benign. Review status: criteria provided, single submitter. Criteria: ACMG Guidelines, 2015. Collection method: not provided. Allele origin: germline. Inheritance: Autosomal recessive inheritance. Affected: yes.

PreventionGenetics, part of Exact Sciences
Classification: Benign for UNC80-related condition. Last evaluated: 2020-03-03. Review status: no assertion criteria provided. Collection method: clinical testing. Allele origin: germline. Not counted in ClinVar's aggregate classification.
Comment: This variant is classified as benign based on ACMG/AMP sequence variant interpretation guidelines (Richards et al. 2015 PMID: 25741868, with internal and published modifications).